The following is an entry in ClinVar:

ClinVar aggregate classification (germline): Uncertain significance. Review status: criteria provided, multiple submitters, no conflicts (2 of 4 stars). 6 submissions from 6 submitters: Uncertain significance (6). Last evaluated 2026-03-20.

Conditions:
Hereditary cancer-predisposing syndrome. Also called: Tumor predisposition; Neoplastic Syndromes, Hereditary; Hereditary Cancer Syndrome; Hereditary neoplastic syndrome. Identifiers: Orphanet 140162, MedGen C0027672, MeSH D009386, MONDO:0015356.
Familial cancer of breast. Also called: BREAST CANCER, FAMILIAL; Hereditary breast cancer; hereditary breast carcinoma. Identifiers: Orphanet 227535, MedGen C0346153, MONDO:0016419, OMIM 114480. Disease mechanism: loss of function.

gnomAD v4.1: 29 of 1,614,168 alleles (0.0018%); highest among the groups gnomAD compares: Non-Finnish European, 0.0024%; no homozygotes.

Submissions (6):

Women's Health and Genetics/Laboratory Corporation of America, LabCorp
Classification: Uncertain significance. Last evaluated: 2026-03-20. Review status: criteria provided, single submitter. Criteria: LabCorp Variant Classification Summary - May 2015. Collection method: clinical testing. Allele origin: germline.
Comment: Variant summary: PALB2 c.2606C>G (p.Ser869Cys) results in a non-conservative amino acid change in the encoded protein sequence. Algorithms developed to predict the effect of missense changes on protein structure and function are either unavailable or do not agree on the potential impact of this missense change. The variant allele was found at a frequency of 8e-06 in 251482 control chromosomes. The available data on variant occurrences in the general population are insufficient to allow any conclusion about variant significance. c.2606C>G has been observed in individuals affected with Breast and/or Ovarian Cancer, without strong evidence for causality (e.g. Damiola_2015, Ramus_2015, Thompson_2015, Girard_2019, Akcay_2021, Butz_2023, Agaolu_2024). These reports do not provide unequivocal conclusions about association of the variant with PALB2-related conditions. To our knowledge, no experimental evidence demonstrating an impact on protein function has been reported. The following publications have been ascertained in the context of this evaluation (PMID: 38308423, 32658311, 37686625, 26564480, 30303537, 26315354, 26283626). ClinVar contains an entry for this variant (Variation ID: 225855). Based on the evidence outlined above, the variant was classified as uncertain significance.

Labcorp Genetics (formerly Invitae), Labcorp
Classification: Uncertain significance for Familial cancer of breast. Last evaluated: 2025-12-22. Review status: criteria provided, single submitter. Criteria: Invitae Variant Classification Sherloc (09022015). Collection method: clinical testing. Allele origin: germline.
Comment: This sequence change replaces serine, which is neutral and polar, with cysteine, which is neutral and slightly polar, at codon 869 of the PALB2 protein (p.Ser869Cys). This variant is present in population databases (rs779279139, gnomAD 0.004%). This missense change has been observed in individual(s) with breast and/or ovarian cancer (PMID: 26283626, 26315354, 26564480, 30303537). ClinVar contains an entry for this variant (Variation ID: 225855). Invitae Evidence Modeling of protein sequence and biophysical properties (such as structural, functional, and spatial information, amino acid conservation, physicochemical variation, residue mobility, and thermodynamic stability) indicates that this missense variant is expected to disrupt PALB2 protein function with a positive predictive value of 80%. In summary, the available evidence is currently insufficient to determine the role of this variant in disease. Therefore, it has been classified as a Variant of Uncertain Significance.

Ambry Genetics
Classification: Uncertain significance for Hereditary cancer-predisposing syndrome. Last evaluated: 2025-06-06. Review status: criteria provided, single submitter. Criteria: Ambry Variant Classification Scheme 2023. Collection method: clinical testing. Allele origin: germline.
Comment: The p.S869C variant (also known as c.2606C>G), located in coding exon 7 of the PALB2 gene, results from a C to G substitution at nucleotide position 2606. The serine at codon 869 is replaced by cysteine, an amino acid with dissimilar properties. This variant has been reported in several cohorts of individuals with personal and/or family histories of breast and/or ovarian cancer (Thompson ER et al. Breast Cancer Res. 2015; 17(1):111; Ramus SJ et al. J Natl Cancer Inst, 2015 Nov;107; Damiola F et al. Breast Cancer Res. Treat. 2015 Dec; 154(3):463-71; Decker B et al. J Med Genet, 2017 11;54:732-741; Girard E et al. Int J Cancer, 2019 04;144:1962-1974; Butz H et al. Cancers (Basel), 2023 Aug;15:; Agaoglu NB et al. Cancer Med, 2024 Feb;13:e6852)This amino acid position is well conserved in available vertebrate species. In addition, this alteration is predicted to be tolerated by in silico analysis. Based on the available evidence, the clinical significance of this variant remains unclear.

Color Diagnostics, LLC DBA Color Health
Classification: Uncertain significance for Hereditary cancer-predisposing syndrome. Last evaluated: 2022-10-18. Review status: criteria provided, single submitter. Criteria: ACMG Guidelines, 2015. Collection method: clinical testing. Allele origin: germline.
Comment: This missense variant replaces serine with cysteine at codon 869 of the PALB2 protein. Computational prediction suggests that this variant may not impact protein structure and function (internally defined REVEL score threshold <= 0.5, PMID: 27666373). To our knowledge, functional studies have not been reported for this variant. This variant has been reported in individuals affected with breast or ovarian cancer (PMID: 26283626, 26315354, 26564480, 30303537) and in an unaffected individual (PMID: 32546565), and this variant also has been reported in a breast cancer case-control meta-analysis in 2/60466 cases and 3/53461 unaffected individuals (PMID: 33471991; Leiden Open Variation Database DB-ID PALB2_010869). This variant has also been identified in 2/251482 chromosomes in the general population by the Genome Aggregation Database (gnomAD) and in a control sample (PMID: 32546565). The available evidence is insufficient to determine the role of this variant in disease conclusively. Therefore, this variant is classified as a Variant of Uncertain Significance.

GeneDx
Classification: Uncertain significance. Last evaluated: 2016-04-29. Review status: criteria provided, single submitter. Criteria: GeneDx Variant Classification (06012015). Collection method: clinical testing. Allele origin: germline. Affected: yes.
Comment: This variant is denoted PALB2 c.2606C>G at the cDNA level, p.Ser869Cys (S869C) at the protein level, and results in the change of a Serine to a Cysteine (TCC>TGC). This variant was observed in at least two patients with familial breast cancer (Damiola 2015, Thompson 2015). PALB2 Ser869Cys was not observed in approximately 6,500 individuals of European and African American ancestry in the NHLBI Exome Sequencing Project, suggesting it is not a common benign variant in these populations. Since Serine and Cysteine differ in polarity, charge, size or other properties, this is considered a non-conservative amino acid substitution. PALB2 Ser869Cys occurs at a position that is not conserved and is located within the WD1 repeat as well as the region of interaction with RAD51, BRCA2 and POLH that is required for interaction with POLH and POLH DNA synthesis stimulation (UniProt). In silico analyses are inconsistent regarding the effect this variant may have on protein structure and function. Based on currently available evidence, it is unclear whether PALB2 Ser869Cys is a pathogenic or benign variant. We consider it to be a variant of uncertain significance.

Cancer Genetics Laboratory, Peter MacCallum Cancer Centre
Classification: Uncertain significance for Familial cancer of breast. Last evaluated: 2015-06-01. Review status: criteria provided, single submitter. Criteria: Thompson et al. (Breast Cancer Res. 2015). Collection method: case-control. Allele origin: germline. Affected: yes. Observed: 1 variant allele, 1 heterozygote.

Literature cited by the submitters: PubMed 26283626 (cited by 4 submitters); PubMed 26315354 (cited by 4 submitters); PubMed 26564480 (cited by 4 submitters); PubMed 30303537 (cited by 4 submitters); PubMed 32658311 (cited by Women's Health and Genetics/Laboratory Corporation of America, LabCorp); PubMed 37686625 (cited by Women's Health and Genetics/Laboratory Corporation of America, LabCorp and Ambry Genetics); PubMed 38308423 (cited by Women's Health and Genetics/Laboratory Corporation of America, LabCorp and Ambry Genetics); PubMed 28779002 (cited by Ambry Genetics); PubMed 32546565 (cited by Color Diagnostics, LLC DBA Color Health); PubMed 33471991 (cited by Color Diagnostics, LLC DBA Color Health).

NM_024675.4(PALB2):c.2606C>G (p.Ser869Cys)

Gene: PALB2 (partner and localizer of BRCA2; minus strand). Cytogenetic location: 16p12.2.
Variant type: single nucleotide variant.
Coding change: c.2606C>G on transcript NM_024675.4 (MANE Select); coding-DNA position 2606, C replaced by G.
Protein change: p.Ser869Cys; replaces serine 869 with cysteine.
Molecular consequence: missense variant.
Genome position (GRCh38, 1-based): chr16:23,626,378, G>C on the plus strand (C>G on the coding strand, the complement: PALB2 is on the minus strand). VCF-style: chr16-23626378-G-C. GRCh37 (hg19) VCF-style: chr16-23637699-G-C.
Other names: short protein forms S869C.
Identifiers: ClinVar variation 225855 (VCV000225855.23), dbSNP rs779279139, ClinGen allele CA7963513.